The following is an entry in ClinVar:

NM_002432.3(MNDA):c.312A>G (p.Ile104Met)

Gene: MNDA (myeloid cell nuclear differentiation antigen; plus strand). Cytogenetic location: 1q23.1.
Variant type: single nucleotide variant.
Coding change: c.312A>G on transcript NM_002432.3 (MANE Select); coding-DNA position 312, A replaced by G.
Protein change: p.Ile104Met; replaces isoleucine 104 with methionine.
Molecular consequence: missense variant.
Genome position (GRCh38, 1-based): chr1:158,843,325, A>G. VCF-style: chr1-158843325-A-G. GRCh37 (hg19) VCF-style: chr1-158813115-A-G.
Other names: short protein forms I104M.
Identifiers: ClinVar variation 3222185 (VCV003222185.1), dbSNP rs2526079138, ClinGen allele CA343038608.
Genomic context (GRCh38, chr1:158,843,325, plus strand): 5'-TTTTCTTTTGTCAGTTGCTAAGAAAATTAAAACACAAGAAAAAGCTCCAGTGAAAAAAAT[A>G]AACCAGGAAGAAGTGGGTCTTGCGGCACCTGCACCCACCGCAAGAAACAAACTGACATCG-3'
Protein context (NP_002423.1, residues 94-114): KTQEKAPVKK[Ile104Met]NQEEVGLAAP

ClinVar aggregate classification (germline): Uncertain significance (1 of 4 stars; one submission).

Submission:

Ambry Genetics
Classification: Uncertain significance. Last evaluated: 2023-09-17. Review status: criteria provided, single submitter. Criteria: Ambry Variant Classification Scheme 2023. Collection method: clinical testing. Allele origin: germline.
Comment: The p.I104M variant (also known as c.312A>G), located in coding exon 2 of the MNDA gene, results from an A to G substitution at nucleotide position 312. The isoleucine at codon 104 is replaced by methionine, an amino acid with highly similar properties. This amino acid position is conserved. In addition, this alteration is predicted to be tolerated by in silico analysis. Since supporting evidence is limited at this time, the clinical significance of this alteration remains unclear.